The following is an entry in ClinVar:

ClinVar aggregate classification (germline): Uncertain significance (1 of 4 stars; one submission).

Conditions:
Emery-Dreifuss muscular dystrophy 5, autosomal dominant (EDMD5). Also called: EMERY-DREIFUSS MUSCULAR DYSTROPHY 5. Identifiers: Orphanet 261, MedGen C2751805, MONDO:0013072, OMIM 612999.

Allele frequency attached by ClinVar (database versions not stated): gnomAD exomes below 0.00001.
gnomAD v4.1: 1 of 1,614,044 alleles (0.000062%); highest among the groups gnomAD compares: Non-Finnish European, 0.000085%; no homozygotes.

Submission:

Labcorp Genetics (formerly Invitae), Labcorp
Classification: Uncertain significance for Emery-Dreifuss muscular dystrophy 5, autosomal dominant. Last evaluated: 2018-07-17. Review status: criteria provided, single submitter. Criteria: Invitae Variant Classification Sherloc (09022015). Collection method: clinical testing. Allele origin: germline.
Comment: This sequence change replaces aspartic acid with histidine at codon 4153 of the SYNE2 protein (p.Asp4153His). The aspartic acid residue is moderately conserved and there is a moderate physicochemical difference between aspartic acid and histidine. This variant is not present in population databases (ExAC no frequency). This variant has not been reported in the literature in individuals with SYNE2-related disease. Algorithms developed to predict the effect of missense changes on protein structure and function are either unavailable or do not agree on the potential impact of this missense change (SIFT: "Tolerated"; PolyPhen-2: "Possibly Damaging"; Align-GVGD: "Class C0"). In summary, the available evidence is currently insufficient to determine the role of this variant in disease. Therefore, it has been classified as a Variant of Uncertain Significance.

NM_182914.3(SYNE2):c.12457G>C (p.Asp4153His)

Gene: SYNE2 (spectrin repeat containing nuclear envelope protein 2; plus strand). Cytogenetic location: 14q23.2.
Variant type: single nucleotide variant.
Coding change: c.12457G>C on transcript NM_182914.3 (MANE Select); coding-DNA position 12457, G replaced by C.
Protein change: p.Asp4153His; replaces aspartic acid 4153 with histidine.
Molecular consequence: missense variant.
Genome position (GRCh38, 1-based): chr14:64,102,007, G>C. VCF-style: chr14-64102007-G-C. GRCh37 (hg19) VCF-style: chr14-64568725-G-C.
Other names: c.12457G>C, p.Asp4153His (NM_015180.6); short protein forms D4153H.
Identifiers: ClinVar variation 640739 (VCV000640739.8), dbSNP rs1595531126, ClinGen allele CA389954350.